The following is an entry in ClinVar:

ClinVar aggregate classification (germline): Uncertain significance (1 of 4 stars; one submission).

Submission:

GeneDx
Classification: Uncertain significance. Last evaluated: 2025-06-01. Review status: criteria provided, single submitter. Criteria: GeneDx Variant Classification Process June 2021. Collection method: clinical testing. Allele origin: germline. Affected: yes.
Comment: Not observed at significant frequency in large population cohorts (gnomAD); In silico analysis supports that this missense variant has a deleterious effect on protein structure/function; Has not been previously published as pathogenic or benign to our knowledge

NM_000540.3(RYR1):c.4426G>A (p.Gly1476Arg)

Gene: RYR1 (ryanodine receptor 1; plus strand). Cytogenetic location: 19q13.2.
Variant type: single nucleotide variant.
Coding change: c.4426G>A on transcript NM_000540.3 (MANE Select); coding-DNA position 4426, G replaced by A.
Protein change: p.Gly1476Arg; replaces glycine 1476 with arginine.
Molecular consequence: missense variant.
Genome position (GRCh38, 1-based): chr19:38,477,842, G>A. VCF-style: chr19-38477842-G-A. GRCh37 (hg19) VCF-style: chr19-38968482-G-A.
Other names: c.4426G>A, p.Gly1476Arg (NM_001042723.2); short protein forms G1476R.
Identifiers: ClinVar variation 4536314 (VCV004536314.1).
Genomic context (GRCh38, chr19:38,477,842, plus strand): 5'-TACCATCAGCACGACATGAGCTTCGACCTCAGCAAGGTCCGGGTCGTGACGGTGACCATG[G>A]GGGATGAACAAGGCAACGTCCACAGCAGGTGCCGGGGCTGGGGGGAGGTGGGAGGTGCAG-3'
Protein context (NP_000531.2, residues 1466-1486): SKVRVVTVTM[Gly1476Arg]DEQGNVHSSL